The following is an entry in ClinVar:

NM_001122821.2(SET):c.58C>A (p.Pro20Thr)

Genes: DYNC2I2 (dynein 2 intermediate chain 2; minus strand), SET (SET nuclear proto-oncogene; plus strand). Cytogenetic location: 9q34.11.
Variant type: single nucleotide variant.
Coding change: c.58C>A on transcript NM_001122821.2; coding-DNA position 58, C replaced by A.
Protein change: p.Pro20Thr; replaces proline 20 with threonine.
Molecular consequence: missense variant.
Genome position (GRCh38, 1-based): chr9:128,683,953, C>A. VCF-style: chr9-128683953-C-A. GRCh37 (hg19) VCF-style: chr9-131446232-C-A.
Other names: c.58C>A, p.Pro20Thr (NM_001374326.1); short protein forms P20T.
Identifiers: ClinVar variation 3372463 (VCV003372463.1).

ClinVar aggregate classification (germline): Uncertain significance (1 of 4 stars; one submission).

Submission:

GeneDx
Classification: Uncertain significance. Last evaluated: 2024-04-11. Review status: criteria provided, single submitter. Criteria: GeneDx Variant Classification Process June 2021. Collection method: clinical testing. Allele origin: germline. Affected: yes.
Comment: Not observed at significant frequency in large population cohorts (gnomAD); In silico analysis supports that this missense variant has a deleterious effect on protein structure/function; Has not been previously published as pathogenic or benign to our knowledge